The following is an entry in ClinVar:

NM_024514.5(CYP2R1):c.965C>T (p.Ala322Val)

Genes: CYP2R1 (cytochrome P450 family 2 subfamily R member 1; minus strand), PDE3B (phosphodiesterase 3B; plus strand). Cytogenetic location: 11p15.2.
Variant type: single nucleotide variant.
Coding change: c.965C>T on transcript NM_024514.5 (MANE Select); coding-DNA position 965, C replaced by T.
Protein change: p.Ala322Val; replaces alanine 322 with valine.
Molecular consequence: missense variant. On other transcripts: non-coding transcript variant (8), intron variant (3).
Genome position (GRCh38, 1-based): chr11:14,880,171, G>A on the plus strand (C>T on the coding strand, the complement: CYP2R1 is on the minus strand). VCF-style: chr11-14880171-G-A. GRCh37 (hg19) VCF-style: chr11-14901717-G-A.
Other names: c.965C>T (NM_024514.4); c.620C>T, p.Ala207Val (NM_001377214.1, NM_001377215.1, NM_001377216.1 and 5 more transcripts); c.803C>T, p.Ala268Val (NM_001377217.1); c.266C>T, p.Ala89Val (NM_001400562.1, NM_001400563.1, NM_001400564.1 and 1 more transcripts); c.821C>T, p.Ala274Val (NM_001400567.1); c.920C>T, p.Ala307Val (NM_001400568.1); c.2887-18774G>A (NM_001429700.1); c.2887-18785G>A (NM_001429699.1); and 1 more; short protein forms A207V, A268V, A274V, A307V, A322V, A89V.
Identifiers: ClinVar variation 4535633 (VCV004535633.1).
Genomic context (GRCh38, chr11:14,880,171, plus strand): 5'-CTGAGATCATCAAGAGAATCCTCACCTTGAATATTAGGATAAAGGGCCATGAAAAGAATC[G>A]CCCACCGTAGCACATTGGTTGTAGTTTCAGTTCCAGCAATGATGAGTTCACCCACTGAGA-3'
Protein context (NP_078790.2, residues 312-332): TETTTNVLRW[Ala322Val]ILFMALYPNI

ClinVar aggregate classification (germline): Uncertain significance. Review status: criteria provided, multiple submitters, no conflicts (2 of 4 stars). 2 submissions from 2 submitters: Uncertain significance (2). Last evaluated 2025-09-25.

gnomAD v4.1: 8 of 1,612,650 alleles (0.0005%); highest among the groups gnomAD compares: Middle Eastern, 0.017%; no homozygotes.

Submissions (2):

Ambry Genetics
Classification: Uncertain significance. Last evaluated: 2025-09-25. Review status: criteria provided, single submitter. Criteria: Ambry Variant Classification Scheme 2023. Collection method: clinical testing. Allele origin: germline.

Women's Health and Genetics/Laboratory Corporation of America, LabCorp
Classification: Uncertain significance. Last evaluated: 2025-09-10. Review status: criteria provided, single submitter. Criteria: LabCorp Variant Classification Summary - May 2015. Collection method: clinical testing. Allele origin: germline.
Comment: Variant summary: CYP2R1 c.965C>T (p.Ala322Val) results in a non-conservative amino acid change in the encoded protein sequence. Algorithms developed to predict the effect of missense changes on protein structure and function are either unavailable or do not agree on the potential impact of this missense change. The variant allele was found at a frequency of 8e-06 in 250704 control chromosomes. The available data on variant occurrences in the general population are insufficient to allow any conclusion about variant significance. To our knowledge, no occurrence of c.965C>T in individuals affected with CYP2R1-related conditions and no experimental evidence demonstrating its impact on protein function have been reported. No submitters have cited clinical-significance assessments for this variant to ClinVar. Based on the evidence outlined above, the variant was classified as uncertain significance.